The following is an entry in ClinVar:

NM_014053.4(FLVCR1):c.847G>C (p.Ala283Pro)

Gene: FLVCR1 (FLVCR choline and heme transporter 1; plus strand). Cytogenetic location: 1q32.3.
Variant type: single nucleotide variant.
Coding change: c.847G>C on transcript NM_014053.4 (MANE Select); coding-DNA position 847, G replaced by C.
Protein change: p.Ala283Pro; replaces alanine 283 with proline.
Molecular consequence: missense variant.
Genome position (GRCh38, 1-based): chr1:212,863,833, G>C. VCF-style: chr1-212863833-G-C. GRCh37 (hg19) VCF-style: chr1-213037175-G-C.
Other names: short protein forms A283P.
Identifiers: ClinVar variation 450589 (VCV000450589.14), dbSNP rs777525949, ClinGen allele CA1385976.

ClinVar aggregate classification (germline): Pathogenic/Likely pathogenic. Review status: criteria provided, multiple submitters, no conflicts (2 of 4 stars). 4 submissions from 4 submitters: Pathogenic (2); Likely pathogenic (2). Last evaluated 2025-02-10.

Conditions:
FLVCR1-related disorders.

Allele frequency attached by ClinVar (database versions not stated): gnomAD exomes below 0.00001 and 0.00001; ExAC 0.00001; TOPMed 0.00002; gnomAD 0.00003 and 0.00004.
gnomAD v4.1: 12 of 1,613,660 alleles (0.00074%); highest among the groups gnomAD compares: Non-Finnish European, 0.001%; no homozygotes.

Submissions (4):

Labcorp Genetics (formerly Invitae), Labcorp
Classification: Pathogenic. Last evaluated: 2025-02-10. Review status: criteria provided, single submitter. Criteria: Invitae Variant Classification Sherloc (09022015). Collection method: clinical testing. Allele origin: germline.
Comment: This sequence change replaces alanine, which is neutral and non-polar, with proline, which is neutral and non-polar, at codon 283 of the FLVCR1 protein (p.Ala283Pro). This variant is present in population databases (rs777525949, gnomAD 0.002%). This missense change has been observed in individual(s) with clinical features of FLVCR1-related conditions (PMID: 28559085, 30656474; internal data). In at least one individual the data is consistent with being in trans (on the opposite chromosome) from a pathogenic variant. ClinVar contains an entry for this variant (Variation ID: 450589). Invitae Evidence Modeling of protein sequence and biophysical properties (such as structural, functional, and spatial information, amino acid conservation, physicochemical variation, residue mobility, and thermodynamic stability) indicates that this missense variant is expected to disrupt FLVCR1 protein function with a positive predictive value of 80%. For these reasons, this variant has been classified as Pathogenic.

GeneDx
Classification: Pathogenic. Last evaluated: 2024-11-15. Review status: criteria provided, single submitter. Criteria: GeneDx Variant Classification Process June 2021. Collection method: clinical testing. Allele origin: germline. Affected: yes.
Comment: Published functional studies demonstrate a damaging effect with reduced choline transport activity (PMID: 38055060); Not observed at significant frequency in large population cohorts (gnomAD); In silico analysis supports that this missense variant has a deleterious effect on protein structure/function; This variant is associated with the following publications: (PMID: 37734845, 28559085, 32531858, 30656474, 37469134, 38055060)

Blueprint Genetics
Classification: Likely pathogenic for FLVCR1-related disorders. Last evaluated: 2021-05-31. Review status: criteria provided, single submitter. Criteria: ACMG Guidelines, 2015. Collection method: clinical testing. Allele origin: germline. Affected: yes. Observed: 2 variant alleles.

Institute of Medical Genetics and Applied Genomics, University Hospital Tübingen
Classification: Likely pathogenic. Last evaluated: 2020-10-23. Review status: criteria provided, single submitter. Criteria: ACMG Guidelines, 2015. Collection method: clinical testing. Allele origin: germline. Inheritance: Unknown mechanism. Affected: yes.

Literature cited by the submitters: PubMed 28559085 (cited by Labcorp Genetics (formerly Invitae), Labcorp); PubMed 30656474 (cited by Labcorp Genetics (formerly Invitae), Labcorp).